The following is an entry in ClinVar:

ClinVar aggregate classification (germline): Uncertain significance (1 of 4 stars; one submission).

Conditions:
Lymphoproliferative syndrome 1 (LPFS1). Identifiers: Orphanet 238505, Orphanet 538963, MedGen C3552634, MONDO:0013081, OMIM 613011.

Submission:

Labcorp Genetics (formerly Invitae), Labcorp
Classification: Uncertain significance for Lymphoproliferative syndrome 1. Last evaluated: 2021-08-04. Review status: criteria provided, single submitter. Criteria: Invitae Variant Classification Sherloc (09022015). Collection method: clinical testing. Allele origin: germline.
Comment: In summary, the available evidence is currently insufficient to determine the role of this variant in disease. Therefore, it has been classified as a Variant of Uncertain Significance. Experimental studies and prediction algorithms are not available or were not evaluated, and the functional significance of this variant is currently unknown. This variant has not been reported in the literature in individuals with ITK-related conditions. ClinVar contains an entry for this variant (Variation ID: 352465). This variant is present in population databases (rs757871566, ExAC 0.003%). This variant, c.625_627del, results in the deletion of 1 amino acid(s) of the ITK protein (p.Trp209del), but otherwise preserves the integrity of the reading frame.

NM_005546.4(ITK):c.622TGG[1] (p.Trp209del)

Gene: ITK (IL2 inducible T cell kinase; plus strand). Cytogenetic location: 5q33.3.
Variant type: Microsatellite.
Coding change: c.622TGG[1] on transcript NM_005546.4 (MANE Select); one copy of the 3-base unit TGG starting at c.622; the reference has two copies in a row; one copy, 3 bases deleted.
Protein change: p.Trp209del; deletes tryptophan 209.
Molecular consequence: inframe deletion.
Genome position (GRCh38, 1-based): chr5:157,222,992-157,222,994, TGG deleted; deleting any 3 consecutive bases within chr5:157,222,989-157,222,994 gives the same sequence; the position shown is the placement nearest the transcript's 3' end. VCF-style (leftmost placement, unchanged base first): chr5-157222988-CTGG-C. GRCh37 (hg19) VCF-style: chr5-156649998-CTGG-C.
Other names: short protein forms W209del.
Identifiers: ClinVar variation 352465 (VCV000352465.13), dbSNP rs757871566, ClinGen allele CA3532824.